The following is an entry in ClinVar:

NM_001352027.3(PHF21A):c.1858A>C (p.Lys620Gln)

Gene: PHF21A (PHD finger protein 21A; minus strand). Cytogenetic location: 11p11.2.
Variant type: single nucleotide variant.
Coding change: c.1858A>C on transcript NM_001352027.3 (MANE Select); coding-DNA position 1858, A replaced by C.
Protein change: p.Lys620Gln; replaces lysine 620 with glutamine.
Molecular consequence: missense variant. On other transcripts: non-coding transcript variant (2).
Genome position (GRCh38, 1-based): chr11:45,934,156, T>G on the plus strand (A>C on the coding strand, the complement: PHF21A is on the minus strand). VCF-style: chr11-45934156-T-G. GRCh37 (hg19) VCF-style: chr11-45955707-T-G.
Other names: c.1855A>C, p.Lys619Gln (NM_001101802.3); c.1858A>C, p.Lys620Gln (NM_001352025.3, NM_001352026.3); c.1717A>C, p.Lys573Gln (NM_001352028.1, NM_001352029.1, NM_016621.5); c.1714A>C, p.Lys572Gln (NM_001352030.3, NM_001352031.3, NM_001352032.3); short protein forms K572Q, K573Q, K619Q, K620Q.
Identifiers: ClinVar variation 1704110 (VCV001704110.2), dbSNP rs1167344502, ClinGen allele CA380253434.

ClinVar aggregate classification (germline): Uncertain significance (1 of 4 stars; one submission).

Submission:

GeneDx
Classification: Uncertain significance. Last evaluated: 2022-03-02. Review status: criteria provided, single submitter. Criteria: GeneDx Variant Classification Process June 2021. Collection method: clinical testing. Allele origin: germline. Affected: yes.
Comment: Not observed at significant frequency in large population cohorts (gnomAD); In silico analysis supports that this missense variant does not alter protein structure/function; Has not been previously published as pathogenic or benign to our knowledge